The following is an entry in ClinVar:

NM_000441.2(SLC26A4):c.2242C>G (p.Leu748Val)

Gene: SLC26A4 (solute carrier family 26 member 4; plus strand). Cytogenetic location: 7q22.3.
Variant type: single nucleotide variant.
Coding change: c.2242C>G on transcript NM_000441.2 (MANE Select); coding-DNA position 2242, C replaced by G.
Protein change: p.Leu748Val; replaces leucine 748 with valine.
Molecular consequence: missense variant.
Genome position (GRCh38, 1-based): chr7:107,712,545, C>G. VCF-style: chr7-107712545-C-G. GRCh37 (hg19) VCF-style: chr7-107352990-C-G.
Other names: short protein forms L748V.
Identifiers: ClinVar variation 179359 (VCV000179359.6), dbSNP rs727504813, ClinGen allele CA184265.

ClinVar aggregate classification (germline): Uncertain significance. Review status: criteria provided, single submitter (1 of 4 stars). 2 submissions from 2 submitters: Uncertain significance (1). 1 of the submissions does not count toward it. Last evaluated 2013-11-13.

Conditions:
Pendred syndrome (PDS). Also called: Pendred Syndrome (PDS); DEAFNESS WITH GOITER; Pendred's syndrome; GOITER-DEAFNESS SYNDROME; HYPOTHYROIDISM, CONGENITAL, DUE TO DYSHORMONOGENESIS, 2B; THYROID DYSHORMONOGENESIS 2B. Identifiers: Orphanet 705, MedGen C0271829, MONDO:0010134, OMIM 274600.

Allele frequency attached by ClinVar (database versions not stated): ExAC 0.00002; gnomAD 0.00004 and 0.00005; TOPMed 0.00004.
gnomAD v4.1: 17 of 1,546,556 alleles (0.0011%); highest among the groups gnomAD compares: African/African-American, 0.018%; no homozygotes.

Submissions (2):

Laboratory for Molecular Medicine, Mass General Brigham Personalized Medicine
Classification: Uncertain significance. Last evaluated: 2013-11-13. Review status: criteria provided, single submitter. Criteria: LMM Criteria. Collection method: clinical testing. Allele origin: germline. Observed: 1 variant allele.
Comment: The Leu748Val variant in SLC26A4 has not been previously reported in individuals with hearing loss or in large population studies. Computational tools (amino a cid biochemical properties, conservation, SIFT, AlignGVGD, PolyPhen-2) suggest t hat this variant may not impact the protein, though this information is not pred ictive enough to rule out pathogenicity. In summary, additional information is n eeded to determine the clinical significance of this variant.

Natera, Inc.
Classification: Uncertain significance for Pendred syndrome. Last evaluated: 2019-11-11. Review status: no assertion criteria provided. Collection method: clinical testing. Allele origin: germline. Not counted in ClinVar's aggregate classification.